The following is an entry in ClinVar:

ClinVar aggregate classification (germline): Benign/Likely benign. Review status: criteria provided, multiple submitters, no conflicts (2 of 4 stars). 4 submissions from 4 submitters: Benign (1); Likely benign (2). 1 of the submissions does not count toward it. Last evaluated 2026-05-22.

Conditions:
NF1-related disorder. Also called: NF1-related condition. Identifiers: MedGen CN379171.
Cardiovascular phenotype. Identifiers: MedGen CN230736.
Hereditary cancer-predisposing syndrome. Also called: Neoplastic Syndromes, Hereditary; Tumor predisposition; Hereditary neoplastic syndrome; Hereditary Cancer Syndrome. Identifiers: Orphanet 140162, MedGen C0027672, MeSH D009386, MONDO:0015356.
Neurofibromatosis, type 1 (NF1). Also called: VON RECKLINGHAUSEN DISEASE; NEUROFIBROMATOSIS, TYPE I, SOMATIC; Neurofibromatosis, type I; Peripheral type neurofibromatosis. Identifiers: Orphanet 636, MedGen C0027831, MONDO:0018975, OMIM 162200. Disease mechanism: loss of function.

Allele frequency attached by ClinVar (database versions not stated): gnomAD exomes below 0.00001.
gnomAD v4.1: 1 of 1,614,024 alleles (0.000062%); highest among the groups gnomAD compares: South Asian, 0.0011%; no homozygotes.

Submissions (4):

Myriad Genetics, Inc.
Classification: Benign for Neurofibromatosis, type 1. Last evaluated: 2026-05-22. Review status: criteria provided, single submitter. Criteria: Myriad Autosomal Dominant, Autosomal Recessive and X-Linked Classification Criteria (2023). Collection method: clinical testing. Allele origin: unknown.
Comment: This variant is considered benign. This variant is a silent/synonymous amino acid change and it is not expected to impact splicing.

Labcorp Genetics (formerly Invitae), Labcorp
Classification: Likely benign for Neurofibromatosis, type 1. Last evaluated: 2026-01-11. Review status: criteria provided, single submitter. Criteria: Invitae Variant Classification Sherloc (09022015). Collection method: clinical testing. Allele origin: germline.

Ambry Genetics
Classification: Likely benign for Cardiovascular phenotype; Hereditary cancer-predisposing syndrome. Last evaluated: 2020-07-22. Review status: criteria provided, single submitter. Criteria: Ambry Variant Classification Scheme 2023. Collection method: clinical testing. Allele origin: germline.

PreventionGenetics, part of Exact Sciences
Classification: Likely benign for NF1-related condition. Last evaluated: 2021-09-27. Review status: no assertion criteria provided. Collection method: clinical testing. Allele origin: germline. Not counted in ClinVar's aggregate classification.
Comment: This variant is classified as likely benign based on ACMG/AMP sequence variant interpretation guidelines (Richards et al. 2015 PMID: 25741868, with internal and published modifications).

NM_001042492.3(NF1):c.7806T>C (p.Asn2602=)

Gene: NF1 (neurofibromin 1; plus strand). Cytogenetic location: 17q11.2.
Variant type: single nucleotide variant.
Coding change: c.7806T>C on transcript NM_001042492.3 (MANE Select); coding-DNA position 7806, T replaced by C.
Protein change: p.Asn2602=; no amino-acid change (asparagine 2602 retained).
Molecular consequence: synonymous variant.
Genome position (GRCh38, 1-based): chr17:31,357,027, T>C. VCF-style: chr17-31357027-T-C. GRCh37 (hg19) VCF-style: chr17-29684045-T-C.
Other names: c.7743T>C, p.Asn2581= (NM_000267.4).
Identifiers: ClinVar variation 1656353 (VCV001656353.13), dbSNP rs2070288476, ClinGen allele CA499239446.